The following is an entry in ClinVar:

NM_001130009.3(GEN1):c.2495T>C (p.Phe832Ser)

Gene: GEN1 (GEN1 structure-specific endonuclease; plus strand). Cytogenetic location: 2p24.2.
Variant type: single nucleotide variant.
Coding change: c.2495T>C on transcript NM_001130009.3 (MANE Select); coding-DNA position 2495, T replaced by C.
Protein change: p.Phe832Ser; replaces phenylalanine 832 with serine.
Molecular consequence: missense variant.
Genome position (GRCh38, 1-based): chr2:17,781,707, T>C. VCF-style: chr2-17781707-T-C. GRCh37 (hg19) VCF-style: chr2-17962974-T-C.
Other names: c.2495T>C, p.Phe832Ser (NM_182625.5); short protein forms F832S.
Identifiers: ClinVar variation 5022316 (VCV005022316.1).

ClinVar aggregate classification (germline): Uncertain significance (1 of 4 stars; one submission).

Submission:

Ambry Genetics
Classification: Uncertain significance. Last evaluated: 2026-08-01. Review status: criteria provided, single submitter. Criteria: Ambry Variant Classification Scheme 2023. Collection method: clinical testing. Allele origin: germline.
Comment: The p.F832S variant (also known as c.2495T>C), located in coding exon 13 of the GEN1 gene, results from a T to C substitution at nucleotide position 2495. The phenylalanine at codon 832 is replaced by serine, an amino acid with highly dissimilar properties. This amino acid position is conserved. In addition, this alteration is predicted to be tolerated by in silico analysis. Based on the available evidence, the clinical significance of this variant remains unclear.